The following is an entry in ClinVar:

NM_006648.4(WNK2):c.6497C>A (p.Ala2166Asp)

Gene: WNK2 (WNK lysine deficient protein kinase 2; plus strand). Cytogenetic location: 9q22.31.
Variant type: single nucleotide variant.
Coding change: c.6497C>A on transcript NM_006648.4 (MANE Select); coding-DNA position 6497, C replaced by A.
Protein change: p.Ala2166Asp; replaces alanine 2166 with aspartic acid.
Molecular consequence: missense variant.
Genome position (GRCh38, 1-based): chr9:93,308,565, C>A. VCF-style: chr9-93308565-C-A. GRCh37 (hg19) VCF-style: chr9-96070847-C-A.
Other names: c.6608C>A, p.Ala2203Asp (NM_001282394.3); short protein forms A2203D, A2166D.
Identifiers: ClinVar variation 3817240 (VCV003817240.1).

ClinVar aggregate classification (germline): Uncertain significance (1 of 4 stars; one submission).

Submission:

Ambry Genetics
Classification: Uncertain significance. Last evaluated: 2025-03-08. Review status: criteria provided, single submitter. Criteria: Ambry Variant Classification Scheme 2023. Collection method: clinical testing. Allele origin: germline.
Comment: The p.A2166D variant (also known as c.6497C>A), located in coding exon 27 of the WNK2 gene, results from a C to A substitution at nucleotide position 6497. The alanine at codon 2166 is replaced by aspartic acid, an amino acid with dissimilar properties. This amino acid position is conserved. In addition, this alteration is predicted to be tolerated by in silico analysis. Based on the available evidence, the clinical significance of this variant remains unclear.